The following is an entry in ClinVar:

NM_006019.4(TCIRG1):c.965C>T (p.Ala322Val)

Gene: TCIRG1 (T cell immune regulator 1, ATPase H+ transporting V0 subunit a3; plus strand). Cytogenetic location: 11q13.2.
Variant type: single nucleotide variant.
Coding change: c.965C>T on transcript NM_006019.4 (MANE Select); coding-DNA position 965, C replaced by T.
Protein change: p.Ala322Val; replaces alanine 322 with valine.
Molecular consequence: missense variant.
Genome position (GRCh38, 1-based): chr11:68,044,289, C>T. VCF-style: chr11-68044289-C-T. GRCh37 (hg19) VCF-style: chr11-67811756-C-T.
Other names: c.71C>T, p.Ala24Val (NM_001351059.2); c.317C>T, p.Ala106Val (NM_006053.4); short protein forms A106V, A24V, A322V.
Identifiers: ClinVar variation 2064078 (VCV002064078.2), dbSNP rs757090849, ClinGen allele CA381580747.

ClinVar aggregate classification (germline): Uncertain significance (1 of 4 stars; one submission).

Submission:

Labcorp Genetics (formerly Invitae), Labcorp
Classification: Uncertain significance. Last evaluated: 2025-06-22. Review status: criteria provided, single submitter. Criteria: Invitae Variant Classification Sherloc (09022015). Collection method: clinical testing. Allele origin: germline.
Comment: This sequence change replaces alanine, which is neutral and non-polar, with valine, which is neutral and non-polar, at codon 322 of the TCIRG1 protein (p.Ala322Val). This variant is not present in population databases (gnomAD no frequency). This variant has not been reported in the literature in individuals affected with TCIRG1-related conditions. ClinVar contains an entry for this variant (Variation ID: 2064078). Invitae Evidence Modeling of protein sequence and biophysical properties (such as structural, functional, and spatial information, amino acid conservation, physicochemical variation, residue mobility, and thermodynamic stability) indicates that this missense variant is not expected to disrupt TCIRG1 protein function with a negative predictive value of 80%. In summary, the available evidence is currently insufficient to determine the role of this variant in disease. Therefore, it has been classified as a Variant of Uncertain Significance.